The following is an entry in ClinVar:

NM_005334.3(HCFC1):c.3122C>G (p.Pro1041Arg)

Gene: HCFC1 (host cell factor C1; minus strand). Cytogenetic location: Xq28.
Variant type: single nucleotide variant.
Coding change: c.3122C>G on transcript NM_005334.3 (MANE Select); coding-DNA position 3122, C replaced by G.
Protein change: p.Pro1041Arg; replaces proline 1041 with arginine.
Molecular consequence: missense variant.
Genome position (GRCh38, 1-based): chrX:153,955,277, G>C on the plus strand (C>G on the coding strand, the complement: HCFC1 is on the minus strand). VCF-style: chrX-153955277-G-C. GRCh37 (hg19) VCF-style: chrX-153220728-G-C.
Other names: c.3122C>G, p.Pro1041Arg (NM_001410705.1); short protein forms P1041R.
Identifiers: ClinVar variation 3906486 (VCV003906486.1).
Genomic context (GRCh38, chrX:153,955,277, plus strand): 5'-GTCACAAGAGAAGCAGCTGCCTCCTGTCTGTCACAGACGAACTGCACTTGGGTGGGCTGG[G>C]GGTGTCCCCCAAGGTTAGCCACAACAGTAGTGGTGGCCGTGTTGGTGGTGCCAGTCTCGT-3'
Protein context (NP_005325.2, residues 1031-1051): TTVVANLGGH[Pro1041Arg]QPTQVQFVCD

ClinVar aggregate classification (germline): Uncertain significance (1 of 4 stars; one submission).

gnomAD v4.1: 1 of 1,210,134 alleles (0.000083%); highest among the groups gnomAD compares: South Asian, 0.0018%; no homozygotes.

Submission:

GeneDx
Classification: Uncertain significance. Last evaluated: 2024-12-18. Review status: criteria provided, single submitter. Criteria: GeneDx Variant Classification Process June 2021. Collection method: clinical testing. Allele origin: germline. Affected: yes.
Comment: Not observed at significant frequency in large population cohorts (gnomAD); In silico analysis indicates that this missense variant does not alter protein structure/function; Has not been previously published as pathogenic or benign to our knowledge